The following is an entry in ClinVar:

ClinVar aggregate classification (germline): Benign. Review status: criteria provided, multiple submitters, no conflicts (2 of 4 stars). 4 submissions from 4 submitters: Benign (3). 1 of the submissions does not count toward it. Last evaluated 2026-02-04.

Allele frequency attached by ClinVar (database versions not stated): 1000 Genomes Project 30x 0.04154; ExAC 0.06417; gnomAD 0.07084 and 0.07198; TOPMed 0.07189; gnomAD exomes 0.07572.
gnomAD v4.1: 116,975 of 1,553,756 alleles (7.5%); highest among the groups gnomAD compares: Non-Finnish European, 8.6%; 2,100 homozygotes.

Submissions (24):

Labcorp Genetics (formerly Invitae), Labcorp
Classification: Benign. Last evaluated: 2026-02-04. Review status: criteria provided, single submitter. Criteria: Invitae Variant Classification Sherloc (09022015). Collection method: clinical testing. Allele origin: germline.

Women's Health and Genetics/Laboratory Corporation of America, LabCorp
Classification: Benign. Last evaluated: 2025-09-05. Review status: criteria provided, single submitter. Criteria: LabCorp Variant Classification Summary - May 2015. Collection method: clinical testing. Allele origin: germline.
Comment: Variant summary: DDX11 c.1521+6T>C alters a non-conserved nucleotide located close to a canonical splice site and therefore could affect mRNA splicing, leading to a significantly altered protein sequence. Consensus agreement among computation tools predict no significant impact on normal splicing. However, these predictions have yet to be confirmed by functional studies. The variant allele was found at a frequency of 0.075 in 1553756 control chromosomes in the gnomAD database, including 2100 homozygotes. The observed variant frequency exceeds the estimated maximal expected allele frequency for disease-causing variants in DDX11. To our knowledge, no occurrence of c.1521+6T>C in individuals affected with DDX11-related conditions and no experimental evidence demonstrating its impact on protein function have been reported. ClinVar contains an entry for this variant (Variation ID: 773022). Based on the evidence outlined above, the variant was classified as benign.

Breakthrough Genomics
Classification: Benign. Review status: criteria provided, single submitter. Criteria: ACMG Guidelines, 2015. Collection method: not provided. Allele origin: germline. Inheritance: Autosomal recessive inheritance. Affected: yes.

Genetic Services Laboratory, University of Chicago
Classification: Benign. Last evaluated: 2022-03-13. Review status: no assertion criteria provided. Collection method: clinical testing. Allele origin: germline. Affected: no. Not counted in ClinVar's aggregate classification.

Dr. Peter K. Rogan Lab, Western University
No classification provided (evidence only). Condition: Clear cell carcinoma of kidney. Review status: no classification provided. Collection method: in vitro. Allele origin: not applicable. Functional consequence: retained intron. Not counted in ClinVar's aggregate classification.

Dr. Peter K. Rogan Lab, Western University
No classification provided (evidence only). Condition: Clear cell carcinoma of kidney. Review status: no classification provided. Collection method: in vitro. Allele origin: not applicable. Functional consequence: retained intron. Not counted in ClinVar's aggregate classification.

Dr. Peter K. Rogan Lab, Western University
No classification provided (evidence only). Condition: Clear cell carcinoma of kidney. Review status: no classification provided. Collection method: in vitro. Allele origin: not applicable. Functional consequence: retained intron. Not counted in ClinVar's aggregate classification.

Dr. Peter K. Rogan Lab, Western University
No classification provided (evidence only). Condition: Clear cell carcinoma of kidney. Review status: no classification provided. Collection method: in vitro. Allele origin: not applicable. Functional consequence: retained intron. Not counted in ClinVar's aggregate classification.

Dr. Peter K. Rogan Lab, Western University
No classification provided (evidence only). Condition: Clear cell carcinoma of kidney. Review status: no classification provided. Collection method: in vitro. Allele origin: not applicable. Functional consequence: retained intron. Not counted in ClinVar's aggregate classification.

Dr. Peter K. Rogan Lab, Western University
No classification provided (evidence only). Condition: Acute myeloid leukemia. Review status: no classification provided. Collection method: in vitro. Allele origin: not applicable. Functional consequence: retained intron. Not counted in ClinVar's aggregate classification.

Dr. Peter K. Rogan Lab, Western University
No classification provided (evidence only). Condition: Acute myeloid leukemia. Review status: no classification provided. Collection method: in vitro. Allele origin: not applicable. Functional consequence: retained intron. Not counted in ClinVar's aggregate classification.

Dr. Peter K. Rogan Lab, Western University
No classification provided (evidence only). Condition: Uterine corpus endometrial carcinoma. Review status: no classification provided. Collection method: in vitro. Allele origin: not applicable. Functional consequence: retained intron. Not counted in ClinVar's aggregate classification.

Dr. Peter K. Rogan Lab, Western University
No classification provided (evidence only). Condition: Cervical cancer. Review status: no classification provided. Collection method: in vitro. Allele origin: not applicable. Functional consequence: retained intron. Not counted in ClinVar's aggregate classification.

Dr. Peter K. Rogan Lab, Western University
No classification provided (evidence only). Condition: Cervical cancer. Review status: no classification provided. Collection method: in vitro. Allele origin: not applicable. Functional consequence: retained intron. Not counted in ClinVar's aggregate classification.

Dr. Peter K. Rogan Lab, Western University
No classification provided (evidence only). Condition: Sarcoma. Review status: no classification provided. Collection method: in vitro. Allele origin: not applicable. Functional consequence: retained intron. Not counted in ClinVar's aggregate classification.

Dr. Peter K. Rogan Lab, Western University
No classification provided (evidence only). Condition: Sarcoma. Review status: no classification provided. Collection method: in vitro. Allele origin: not applicable. Functional consequence: retained intron. Not counted in ClinVar's aggregate classification.

Dr. Peter K. Rogan Lab, Western University
No classification provided (evidence only). Condition: Sarcoma. Review status: no classification provided. Collection method: in vitro. Allele origin: not applicable. Functional consequence: retained intron. Not counted in ClinVar's aggregate classification.

Dr. Peter K. Rogan Lab, Western University
No classification provided (evidence only). Condition: Thymoma. Review status: no classification provided. Collection method: in vitro. Allele origin: not applicable. Functional consequence: retained intron. Not counted in ClinVar's aggregate classification.

Dr. Peter K. Rogan Lab, Western University
No classification provided (evidence only). Condition: Thymoma. Review status: no classification provided. Collection method: in vitro. Allele origin: not applicable. Functional consequence: retained intron. Not counted in ClinVar's aggregate classification.

Dr. Peter K. Rogan Lab, Western University
No classification provided (evidence only). Condition: Thymoma. Review status: no classification provided. Collection method: in vitro. Allele origin: not applicable. Functional consequence: retained intron. Not counted in ClinVar's aggregate classification.

Dr. Peter K. Rogan Lab, Western University
No classification provided (evidence only). Condition: Thymoma. Review status: no classification provided. Collection method: in vitro. Allele origin: not applicable. Functional consequence: retained intron. Not counted in ClinVar's aggregate classification.

Dr. Peter K. Rogan Lab, Western University
No classification provided (evidence only). Condition: Cholangiocarcinoma. Review status: no classification provided. Collection method: in vitro. Allele origin: not applicable. Functional consequence: retained intron. Not counted in ClinVar's aggregate classification.

Dr. Peter K. Rogan Lab, Western University
No classification provided (evidence only). Condition: Cholangiocarcinoma. Review status: no classification provided. Collection method: in vitro. Allele origin: not applicable. Functional consequence: retained intron. Not counted in ClinVar's aggregate classification.

Dr. Peter K. Rogan Lab, Western University
No classification provided (evidence only). Condition: Ovarian serous cystadenocarcinoma. Review status: no classification provided. Collection method: in vitro. Allele origin: not applicable. Functional consequence: retained intron. Not counted in ClinVar's aggregate classification.

NM_030653.4(DDX11):c.1521+6T>C

Gene: DDX11 (DEAD/H-box helicase 11; plus strand). Cytogenetic location: 12p11.21.
Variant type: single nucleotide variant.
Coding change: c.1521+6T>C on transcript NM_030653.4 (MANE Select); 6 bases into the intron after coding-DNA position 1521, T replaced by C.
Molecular consequence: intron variant.
Genome position (GRCh38, 1-based): chr12:31,096,385, T>C. VCF-style: chr12-31096385-T-C. GRCh37 (hg19) VCF-style: chr12-31249319-T-C.
Other names: NC_000012.11:g.31249319T>C; c.1521+6T>C (NM_152438.2, NM_004399.3, NM_001257144.2); c.1443+6T>C (NM_001257145.2).
Identifiers: ClinVar variation 773022 (VCV000773022.10), dbSNP rs71455621, ClinGen allele CA6501354.